The following is an entry in ClinVar:

ClinVar aggregate classification (germline): Benign/Likely benign. Review status: criteria provided, multiple submitters, no conflicts (2 of 4 stars). 4 submissions from 4 submitters: Benign (1); Likely benign (3). Last evaluated 2025-08-17.

Conditions:
Hereditary cancer-predisposing syndrome. Also called: Tumor predisposition; Hereditary neoplastic syndrome; Neoplastic Syndromes, Hereditary; Hereditary Cancer Syndrome. Identifiers: Orphanet 140162, MedGen C0027672, MeSH D009386, MONDO:0015356.
Peutz-Jeghers syndrome (PJS). Also called: Peutz-Jeghers polyposis; Periorificial lentiginosis syndrome; POLYPOSIS, HAMARTOMATOUS INTESTINAL; POLYPS-AND-SPOTS SYNDROME. Identifiers: Orphanet 2869, MedGen C0031269, MeSH D010580, MONDO:0008280, OMIM 175200.

Allele frequency attached by ClinVar (database versions not stated): gnomAD exomes 0.00001.
gnomAD v4.1: 3 of 1,609,256 alleles (0.00019%); highest among the groups gnomAD compares: East Asian, 0.0022%; no homozygotes.

Submissions (4):

Labcorp Genetics (formerly Invitae), Labcorp
Classification: Likely benign for Peutz-Jeghers syndrome. Last evaluated: 2025-08-17. Review status: criteria provided, single submitter. Criteria: Invitae Variant Classification Sherloc (09022015). Collection method: clinical testing. Allele origin: germline.

Myriad Genetics, Inc.
Classification: Benign for Peutz-Jeghers syndrome. Last evaluated: 2025-03-26. Review status: criteria provided, single submitter. Criteria: Myriad Autosomal Dominant, Autosomal Recessive and X-Linked Classification Criteria (2023). Collection method: clinical testing. Allele origin: unknown.
Comment: This variant is considered benign. This variant is a silent/synonymous amino acid change and it is not expected to impact splicing.

Ambry Genetics
Classification: Likely benign for Hereditary cancer-predisposing syndrome. Last evaluated: 2016-09-09. Review status: criteria provided, single submitter. Criteria: Ambry Variant Classification Scheme 2023. Collection method: clinical testing. Allele origin: germline.

GeneDx
Classification: Likely benign. Last evaluated: 2016-03-23. Review status: criteria provided, single submitter. Criteria: GeneDx Variant Classification (06012015). Collection method: clinical testing. Allele origin: germline. Affected: yes.
Comment: This variant is considered likely benign or benign based on one or more of the following criteria: it is a conservative change, it occurs at a poorly conserved position in the protein, it is predicted to be benign by multiple in silico algorithms, and/or has population frequency not consistent with disease.

NM_000455.5(STK11):c.663G>A (p.Pro221=)

Gene: STK11 (serine/threonine kinase 11; plus strand). Cytogenetic location: 19p13.3.
Variant type: single nucleotide variant.
Coding change: c.663G>A on transcript NM_000455.5 (MANE Select); coding-DNA position 663, G replaced by A.
Protein change: p.Pro221=; no amino-acid change (proline 221 retained).
Molecular consequence: synonymous variant.
Genome position (GRCh38, 1-based): chr19:1,220,646, G>A. VCF-style: chr19-1220646-G-A. GRCh37 (hg19) VCF-style: chr19-1220645-G-A.
Identifiers: ClinVar variation 135925 (VCV000135925.17), dbSNP rs587780720, ClinGen allele CA023210.
Genomic context (GRCh38, chr19:1,220,646, plus strand): 5'-GCACCCGTTCGCGGCGGACGACACCTGCCGGACCAGCCAGGGCTCCCCGGCTTTCCAGCC[G>A]CCCGAGATTGCCAACGGCCTGGACACCTTCTCCGGCTTCAAGGTGGACATCTGGTCGGCT-3'
Protein context (NP_000446.1, residues 211-231): RTSQGSPAFQ[Pro221=]PEIANGLDTF